The following is an entry in ClinVar:

NM_005236.3(ERCC4):c.346G>A (p.Val116Ile)

Gene: ERCC4 (ERCC excision repair 4, endonuclease catalytic subunit; plus strand). Cytogenetic location: 16p13.12.
Variant type: single nucleotide variant.
Coding change: c.346G>A on transcript NM_005236.3 (MANE Select); coding-DNA position 346, G replaced by A.
Protein change: p.Val116Ile; replaces valine 116 with isoleucine.
Molecular consequence: missense variant.
Genome position (GRCh38, 1-based): chr16:13,922,169, G>A. VCF-style: chr16-13922169-G-A. GRCh37 (hg19) VCF-style: chr16-14016026-G-A.
Other names: short protein forms V116I.
Identifiers: ClinVar variation 1354384 (VCV001354384.10), dbSNP rs763811136, ClinGen allele CA7910156.

ClinVar aggregate classification (germline): Uncertain significance. Review status: criteria provided, multiple submitters, no conflicts (2 of 4 stars). 4 submissions from 4 submitters: Uncertain significance (4). Last evaluated 2025-06-17.

Conditions:
Xeroderma pigmentosum (XP). Identifiers: Orphanet 910, MedGen C0043346, MONDO:0019600.
Fanconi anemia complementation group Q. Identifiers: Orphanet 84, MedGen C3808988, MONDO:0014108, OMIM 615272.
Cockayne syndrome. Identifiers: Orphanet 191, MedGen C0009207, MONDO:0016006.
Xeroderma pigmentosum, group F (XPF). Also called: ERCC4-Related Xeroderma Pigmentosum; XERODERMA PIGMENTOSUM, COMPLEMENTATION GROUP F; XERODERMA PIGMENTOSUM, TYPE F; Xeroderma pigmentosum, type 6; XERODERMA PIGMENTOSUM VI; XP, GROUP F. Identifiers: MedGen C0268140, MONDO:0010215, OMIM 278760.

Allele frequency attached by ClinVar (database versions not stated): gnomAD 0.00003; TOPMed 0.00004; ExAC 0.00008; gnomAD exomes 0.00008.
gnomAD v4.1: 119 of 1,612,906 alleles (0.0074%); highest among the groups gnomAD compares: Admixed American, 0.013%; no homozygotes.

Submissions (4):

St. Jude Molecular Pathology, St. Jude Children's Research Hospital
Classification: Uncertain significance for Xeroderma pigmentosum, group F. Last evaluated: 2025-06-17. Review status: criteria provided, single submitter. Criteria: St. Jude Assertion Criteria 2020. Collection method: clinical testing. Allele origin: germline.
Comment: The ERCC4 c.346G>A p.(Val116Ile) missense change has a maximum subpopulation frequency of 0.023% in gnomAD v2.1.1. The in silico tool REVEL is inconclusive about a pathogenic or benign effect of this variant on protein function, and to our knowledge functional studies have not been performed. To our knowledge, this variant has not been reported in individuals with Fanconi anemia or Xeroderma pigmentosum. In summary, the evidence currently available is insufficient to determine the clinical significance of this variant. It has therefore been classified as of uncertain significance.

Blueprint Genetics
Classification: Uncertain significance. Last evaluated: 2024-03-14. Review status: criteria provided, single submitter. Criteria: ACMG Guidelines, 2015. Collection method: clinical testing. Allele origin: germline.

Labcorp Genetics (formerly Invitae), Labcorp
Classification: Uncertain significance for Fanconi anemia complementation group Q; Xeroderma pigmentosum, group F; Cockayne syndrome. Last evaluated: 2024-01-12. Review status: criteria provided, single submitter. Criteria: Invitae Variant Classification Sherloc (09022015). Collection method: clinical testing. Allele origin: germline.
Comment: This sequence change replaces valine, which is neutral and non-polar, with isoleucine, which is neutral and non-polar, at codon 116 of the ERCC4 protein (p.Val116Ile). This variant is present in population databases (rs763811136, gnomAD 0.02%). This variant has not been reported in the literature in individuals affected with ERCC4-related conditions. ClinVar contains an entry for this variant (Variation ID: 1354384). Advanced modeling of protein sequence and biophysical properties (such as structural, functional, and spatial information, amino acid conservation, physicochemical variation, residue mobility, and thermodynamic stability) performed at Invitae indicates that this missense variant is expected to disrupt ERCC4 protein function with a positive predictive value of 80%. In summary, the available evidence is currently insufficient to determine the role of this variant in disease. Therefore, it has been classified as a Variant of Uncertain Significance.

Sema4
Classification: Uncertain significance for Xeroderma pigmentosum. Last evaluated: 2021-09-10. Review status: criteria provided, single submitter. Criteria: Sema4 Curation Guidelines. Collection method: curation. Allele origin: germline.
Comment: The ERCC4 c.346G>A (p.V116I) variant has not been reported in the literature to our knowledge. It was observed in 21/282576 chromosomes in the large and broad cohorts of the Genome Aggregation Database (PMID: 32461654). The variant has not been reported in ClinVar. Functional studies have not been performed, and in silico predictions of the variant's effect on protein function are inconclusive. The evidence is insufficient to meet ACMG/AMP criteria for classifying the variant as benign or pathogenic. Thus, the clinical significance of this variant is currently uncertain.